The following is an entry in ClinVar:

ClinVar aggregate classification (germline): Uncertain significance (1 of 4 stars; one submission).

Conditions:
Radio-Tartaglia syndrome. Identifiers: Orphanet 662234, MedGen C5543339, MONDO:0859143, OMIM 619312.

gnomAD v4.1: 1 of 1,602,708 alleles (0.000062%); highest among the groups gnomAD compares: Admixed American, 0.0017%; no homozygotes.

Submission:

Laboratorio de Genetica e Diagnostico Molecular, Hospital Israelita Albert Einstein
Classification: Uncertain significance for Radio-Tartaglia syndrome. Last evaluated: 2023-09-19. Review status: criteria provided, single submitter. Criteria: ACMG Guidelines, 2015. Collection method: clinical testing. Allele origin: germline. Affected: yes.
Comment: ACMG classification criteria: PM2 supporting, BP4 supporting

NM_015001.3(SPEN):c.6347T>C (p.Val2116Ala)

Gene: SPEN (spen family transcriptional repressor; plus strand). Cytogenetic location: 1p36.13.
Variant type: single nucleotide variant.
Coding change: c.6347T>C on transcript NM_015001.3 (MANE Select); coding-DNA position 6347, T replaced by C.
Protein change: p.Val2116Ala; replaces valine 2116 with alanine.
Molecular consequence: missense variant.
Genome position (GRCh38, 1-based): chr1:15,932,587, T>C. VCF-style: chr1-15932587-T-C. GRCh37 (hg19) VCF-style: chr1-16259082-T-C.
Other names: short protein forms V2116A.
Identifiers: ClinVar variation 4076206 (VCV004076206.1).